The following is an entry in ClinVar:

NM_000530.8(MPZ):c.542A>G (p.Tyr181Cys)

Gene: MPZ (myelin protein zero; minus strand). Cytogenetic location: 1q23.3.
Variant type: single nucleotide variant.
Coding change: c.542A>G on transcript NM_000530.8 (MANE Select); coding-DNA position 542, A replaced by G.
Protein change: p.Tyr181Cys; replaces tyrosine 181 with cysteine.
Molecular consequence: missense variant.
Genome position (GRCh38, 1-based): chr1:161,306,371, T>C on the plus strand (A>G on the coding strand, the complement: MPZ is on the minus strand). VCF-style: chr1-161306371-T-C. GRCh37 (hg19) VCF-style: chr1-161276161-T-C.
Other names: c.542A>G, p.Tyr181Cys (NM_001315491.2); c.542A>G (LRG_256t1); short protein forms Y181C.
Identifiers: ClinVar variation 567748 (VCV000567748.10), dbSNP rs372051998, ClinGen allele CA31668241.

ClinVar aggregate classification (germline): Uncertain significance. Review status: criteria provided, multiple submitters, no conflicts (2 of 4 stars). 3 submissions from 3 submitters: Uncertain significance (3). Last evaluated 2025-10-08.

Conditions:
Inborn genetic diseases. Identifiers: MedGen C0950123, MeSH D030342.
Charcot-Marie-Tooth disease, type I (CMT1). Also called: Charcot-Marie-Tooth, Type 1; Charcot-Marie-Tooth disease type 1. Identifiers: Orphanet 65753, MedGen C0751036, MONDO:0019011.

Allele frequency attached by ClinVar (database versions not stated): gnomAD 0.00001; TOPMed 0.00002; ESP Exome Variant Server 0.00008.
gnomAD v4.1: 2 of 1,613,908 alleles (0.00012%); highest among the groups gnomAD compares: Non-Finnish European, 0.00017%; no homozygotes.

Submissions (3):

Ambry Genetics
Classification: Uncertain significance for Inborn genetic diseases. Last evaluated: 2025-10-08. Review status: criteria provided, single submitter. Criteria: Ambry Variant Classification Scheme 2023. Collection method: clinical testing. Allele origin: germline.

GeneDx
Classification: Uncertain significance. Last evaluated: 2023-01-23. Review status: criteria provided, single submitter. Criteria: GeneDx Variant Classification Process June 2021. Collection method: clinical testing. Allele origin: germline. Affected: yes.
Comment: Reported as a paternally inherited variant in a family with neuropathy in published literature (Kushlaf et al., 2019); Not observed at significant frequency in large population cohorts (gnomAD); Missense variants in this gene are often considered pathogenic (HGMD); In silico analysis supports that this missense variant does not alter protein structure/function; This variant is associated with the following publications: (PMID: 20461396, 26310628, Kushlaf2019[casereport])

Labcorp Genetics (formerly Invitae), Labcorp
Classification: Uncertain significance for Charcot-Marie-Tooth disease, type I. Last evaluated: 2018-05-08. Review status: criteria provided, single submitter. Criteria: Invitae Variant Classification Sherloc (09022015). Collection method: clinical testing. Allele origin: germline.
Comment: In summary, the available evidence is currently insufficient to determine the role of this variant in disease. Therefore, it has been classified as a Variant of Uncertain Significance. Algorithms developed to predict the effect of missense changes on protein structure and function do not agree on the potential impact of this missense change (SIFT: "Deleterious"; PolyPhen-2: "Probably Damaging"; Align-GVGD: "Class C0"). This variant has not been reported in the literature in individuals with MPZ-related disease. This variant is not present in population databases (ExAC no frequency). This sequence change replaces tyrosine with cysteine at codon 181 of the MPZ protein (p.Tyr181Cys). The tyrosine residue is highly conserved and there is a large physicochemical difference between tyrosine and cysteine.